The following is an entry in ClinVar:

NM_006079.5(CITED2):c.389C>G (p.Pro130Arg)

Gene: CITED2 (Cbp/p300 interacting transactivator with Glu/Asp rich carboxy-terminal domain 2; minus strand). Cytogenetic location: 6q24.1.
Variant type: single nucleotide variant.
Coding change: c.389C>G on transcript NM_006079.5 (MANE Select); coding-DNA position 389, C replaced by G.
Protein change: p.Pro130Arg; replaces proline 130 with arginine.
Molecular consequence: missense variant.
Genome position (GRCh38, 1-based): chr6:139,373,556, G>C on the plus strand (C>G on the coding strand, the complement: CITED2 is on the minus strand). VCF-style: chr6-139373556-G-C. GRCh37 (hg19) VCF-style: chr6-139694693-G-C.
Other names: c.389C>G, p.Pro130Arg (NM_001168388.3); c.404C>G, p.Pro135Arg (NM_001168389.3); short protein forms P130R, P135R.
Identifiers: ClinVar variation 4083312 (VCV004083312.1).

ClinVar aggregate classification (germline): Uncertain significance (1 of 4 stars; one submission).

Submission:

GeneDx
Classification: Uncertain significance. Last evaluated: 2025-03-11. Review status: criteria provided, single submitter. Criteria: GeneDx Variant Classification Process June 2021. Collection method: clinical testing. Allele origin: germline. Affected: yes.
Comment: Not observed at significant frequency in large population cohorts (gnomAD); In silico analysis supports that this missense variant has a deleterious effect on protein structure/function; Has not been previously published as pathogenic or benign to our knowledge